The following is an entry in ClinVar:

NM_001267550.2(TTN):c.33330C>T (p.Pro11110=)

Gene: TTN (titin; minus strand). Cytogenetic location: 2q31.2.
Variant type: single nucleotide variant.
Coding change: c.33330C>T on transcript NM_001267550.2 (MANE Select); coding-DNA position 33330, C replaced by T.
Protein change: p.Pro11110=; no amino-acid change (proline 11110 retained).
Molecular consequence: synonymous variant. On other transcripts: intron variant (3).
Genome position (GRCh38, 1-based): chr2:178,681,089, G>A on the plus strand (C>T on the coding strand, the complement: TTN is on the minus strand). VCF-style: chr2-178681089-G-A. GRCh37 (hg19) VCF-style: chr2-179545816-G-A.
Other names: c.32379C>T, p.Pro10793= (NM_001256850.1); c.29598C>T, p.Pro9866= (NM_133378.4); c.13283-38772C>T (NM_003319.4); c.13859-38772C>T (NM_133437.4); c.13658-38772C>T (NM_133432.3).
Identifiers: ClinVar variation 1627517 (VCV001627517.13), dbSNP rs751014194, ClinGen allele CA1998387.

ClinVar aggregate classification (germline): Likely benign. Review status: criteria provided, multiple submitters, no conflicts (2 of 4 stars). 2 submissions from 2 submitters: Likely benign (2). Last evaluated 2025-12-01.

Conditions:
Dilated cardiomyopathy 1G (CMD1G). Identifiers: Orphanet 154, MedGen C1858763, MONDO:0011400, OMIM 604145.
Autosomal recessive limb-girdle muscular dystrophy type 2J (LGMDR10). Also called: Limb-girdle muscular dystrophy, type 2J; MUSCULAR DYSTROPHY, LIMB-GIRDLE, AUTOSOMAL RECESSIVE 10. Identifiers: Orphanet 140922, MedGen C1837342, MONDO:0012127, OMIM 608807.

Allele frequency attached by ClinVar (database versions not stated): ExAC 0.00001; TOPMed 0.00001; gnomAD 0.00003.
gnomAD v4.1: 14 of 1,599,222 alleles (0.00088%); highest among the groups gnomAD compares: South Asian, 0.0057%; no homozygotes.

Submissions (2):

CeGaT Center for Human Genetics Tuebingen
Classification: Likely benign. Last evaluated: 2025-12-01. Review status: criteria provided, single submitter. Criteria: CeGaT Center For Human Genetics Tuebingen Variant Classification Criteria Version 2. Collection method: clinical testing. Allele origin: germline. Affected: yes. Observed: 1 variant allele.
Comment: TTN: BP4, BP7

Labcorp Genetics (formerly Invitae), Labcorp
Classification: Likely benign for Dilated cardiomyopathy 1G; Autosomal recessive limb-girdle muscular dystrophy type 2J. Last evaluated: 2024-11-18. Review status: criteria provided, single submitter. Criteria: Invitae Variant Classification Sherloc (09022015). Collection method: clinical testing. Allele origin: germline.